The following is an entry in ClinVar:

ClinVar aggregate classification (germline): Uncertain significance (1 of 4 stars; one submission).

Conditions:
Familial hemophagocytic lymphohistiocytosis 2 (FHL2). Also called: PRF1-Related Familial Hemophagocytic Lymphohistiocytosis (PRF1-fHLH). Identifiers: Orphanet 540, MedGen C1863727, MONDO:0011337, OMIM 603553.

Allele frequency attached by ClinVar (database versions not stated): gnomAD exomes 0.00001; TOPMed 0.00001; ExAC 0.00002.

Submission:

Labcorp Genetics (formerly Invitae), Labcorp
Classification: Uncertain significance for Familial hemophagocytic lymphohistiocytosis 2. Last evaluated: 2025-03-13. Review status: criteria provided, single submitter. Criteria: Invitae Variant Classification Sherloc (09022015). Collection method: clinical testing. Allele origin: germline.
Comment: This sequence change replaces leucine, which is neutral and non-polar, with phenylalanine, which is neutral and non-polar, at codon 7 of the PRF1 protein (p.Leu7Phe). The frequency data for this variant in the population databases is considered unreliable, as metrics indicate poor data quality at this position in the gnomAD database. This variant has not been reported in the literature in individuals affected with PRF1-related conditions. ClinVar contains an entry for this variant (Variation ID: 1445168). Invitae Evidence Modeling of protein sequence and biophysical properties (such as structural, functional, and spatial information, amino acid conservation, physicochemical variation, residue mobility, and thermodynamic stability) indicates that this missense variant is not expected to disrupt PRF1 protein function with a negative predictive value of 95%. In summary, the available evidence is currently insufficient to determine the role of this variant in disease. Therefore, it has been classified as a Variant of Uncertain Significance.

NM_001083116.3(PRF1):c.19C>T (p.Leu7Phe)

Gene: PRF1 (perforin 1; minus strand). Cytogenetic location: 10q22.1.
Variant type: single nucleotide variant.
Coding change: c.19C>T on transcript NM_001083116.3 (MANE Select); coding-DNA position 19, C replaced by T.
Protein change: p.Leu7Phe; replaces leucine 7 with phenylalanine.
Molecular consequence: missense variant.
Genome position (GRCh38, 1-based): chr10:70,600,884, G>A on the plus strand (C>T on the coding strand, the complement: PRF1 is on the minus strand). VCF-style: chr10-70600884-G-A. GRCh37 (hg19) VCF-style: chr10-72360640-G-A.
Other names: c.19C>T, p.Leu7Phe (NM_005041.6); short protein forms L7F.
Identifiers: ClinVar variation 1445168 (VCV001445168.6), dbSNP rs767449445, ClinGen allele CA5539148.